The following is an entry in ClinVar:

NM_001033855.3(DCLRE1C):c.1376G>T (p.Ser459Ile)

Gene: DCLRE1C (DNA cross-link repair 1C; minus strand). Cytogenetic location: 10p13.
Variant type: single nucleotide variant.
Coding change: c.1376G>T on transcript NM_001033855.3 (MANE Select); coding-DNA position 1376, G replaced by T.
Protein change: p.Ser459Ile; replaces serine 459 with isoleucine.
Molecular consequence: missense variant. On other transcripts: non-coding transcript variant (4).
Genome position (GRCh38, 1-based): chr10:14,909,111, C>A on the plus strand (G>T on the coding strand, the complement: DCLRE1C is on the minus strand). VCF-style: chr10-14909111-C-A. GRCh37 (hg19) VCF-style: chr10-14951110-C-A.
Other names: c.1016G>T, p.Ser339Ile (NM_001033857.3, NM_001033858.3, NM_001289077.2 and 2 more transcripts); c.1031G>T, p.Ser344Ile (NM_001289076.2, NM_001289078.2, NM_001350966.2 and 1 more transcripts); c.1376G>T, p.Ser459Ile (NM_001350965.2); short protein forms S339I, S344I, S459I.
Identifiers: ClinVar variation 1462609 (VCV001462609.8), dbSNP rs747311091, ClinGen allele CA376075727.
Genomic context (GRCh38, chr10:14,909,111, plus strand): 5'-AGGTGAAGTACAGAGCCCAGATCTCCTTGCAGTGAAGCTGGGATTCCTACTTCTTCTTCA[C>A]TTTCACTGTTGGATTCTTCACAATCTACAAAGTTTGTGAAACGAGAGCTCTGCATACACT-3'
Protein context (NP_001029027.1, residues 449-469): FVDCEESNSE[Ser459Ile]EEEVGIPASL

ClinVar aggregate classification (germline): Uncertain significance (1 of 4 stars; one submission).

Conditions:
Severe combined immunodeficiency due to DCLRE1C deficiency (RS-SCID). Also called: SCID, AUTOSOMAL RECESSIVE, T CELL-NEGATIVE, B CELL-NEGATIVE, NK CELL-POSITIVE, WITH SENSITIVITY TO IONIZING RADIATION. Identifiers: Orphanet 275, MedGen C1865371, MONDO:0011225, OMIM 602450.

Submission:

Labcorp Genetics (formerly Invitae), Labcorp
Classification: Uncertain significance for Athabaskan severe combined immunodeficiency. Last evaluated: 2022-01-14. Review status: criteria provided, single submitter. Criteria: Invitae Variant Classification Sherloc (09022015). Collection method: clinical testing. Allele origin: germline.
Comment: In summary, the available evidence is currently insufficient to determine the role of this variant in disease. Therefore, it has been classified as a Variant of Uncertain Significance. Algorithms developed to predict the effect of missense changes on protein structure and function (SIFT, PolyPhen-2, Align-GVGD) all suggest that this variant is likely to be tolerated. This variant has not been reported in the literature in individuals affected with DCLRE1C-related conditions. This variant is not present in population databases (gnomAD no frequency). This sequence change replaces serine, which is neutral and polar, with isoleucine, which is neutral and non-polar, at codon 459 of the DCLRE1C protein (p.Ser459Ile).